The following is an entry in ClinVar:

NM_003183.6(ADAM17):c.205C>G (p.Leu69Val)

Gene: ADAM17 (ADAM metallopeptidase domain 17; minus strand). Cytogenetic location: 2p25.1.
Variant type: single nucleotide variant.
Coding change: c.205C>G on transcript NM_003183.6 (MANE Select); coding-DNA position 205, C replaced by G.
Protein change: p.Leu69Val; replaces leucine 69 with valine.
Molecular consequence: missense variant. On other transcripts: 5 prime UTR variant (2).
Genome position (GRCh38, 1-based): chr2:9,543,178, G>C on the plus strand (C>G on the coding strand, the complement: ADAM17 is on the minus strand). VCF-style: chr2-9543178-G-C. GRCh37 (hg19) VCF-style: chr2-9683307-G-C.
Other names: c.-476C>G (NM_001382777.1); c.-718C>G (NM_001382778.1); short protein forms L69V.
Identifiers: ClinVar variation 2078586 (VCV002078586.2), dbSNP rs777902756, ClinGen allele CA1523842.
Genomic context (GRCh38, chr2:9,543,178, plus strand): 5'-TGCCCCAACATTATTCCATGAATAATTCAAATTACCTTTTCAAAGCTGAAAAAGTTAGTA[G>C]TGTTTCTACATGTGTTGAAGTCTGTAGATCTCTTTTTCTTACCGAATGCTGCTGGATATT-3'
Protein context (NP_003174.3, residues 59-79): DLQTSTHVET[Leu69Val]LTFSALKRHF

ClinVar aggregate classification (germline): Uncertain significance (1 of 4 stars; one submission).

Conditions:
Inflammatory skin and bowel disease, neonatal, 1. Identifiers: Orphanet 294023, MedGen C3280501, MONDO:0013693, OMIM 614328.

Allele frequency attached by ClinVar (database versions not stated): ExAC 0.00002; TOPMed 0.00002.
gnomAD v4.1: 14 of 1,595,870 alleles (0.00088%); highest among the groups gnomAD compares: East Asian, 0.032%; no homozygotes.

Submission:

Labcorp Genetics (formerly Invitae), Labcorp
Classification: Uncertain significance for Inflammatory skin and bowel disease, neonatal, 1. Last evaluated: 2022-03-14. Review status: criteria provided, single submitter. Criteria: Invitae Variant Classification Sherloc (09022015). Collection method: clinical testing. Allele origin: germline.
Comment: In summary, the available evidence is currently insufficient to determine the role of this variant in disease. Therefore, it has been classified as a Variant of Uncertain Significance. Algorithms developed to predict the effect of missense changes on protein structure and function are either unavailable or do not agree on the potential impact of this missense change (SIFT: "Not Available"; PolyPhen-2: "Benign"; Align-GVGD: "Not Available"). This variant has not been reported in the literature in individuals affected with ADAM17-related conditions. This variant is present in population databases (rs777902756, gnomAD 0.04%). This sequence change replaces leucine, which is neutral and non-polar, with valine, which is neutral and non-polar, at codon 69 of the ADAM17 protein (p.Leu69Val).